The following is an entry in ClinVar:

NM_174858.3(AK5):c.1681_1683dup (p.Ile561dup)

Gene: AK5 (adenylate kinase 5; plus strand). Cytogenetic location: 1p31.1.
Variant type: Duplication.
Coding change: c.1681_1683dup on transcript NM_174858.3 (MANE Select); coding-DNA positions 1681 to 1683, 3 bases duplicated (ATT; older notation c.1681_1683dupATT).
Protein change: p.Ile561dup; duplicates isoleucine 561.
Molecular consequence: inframe insertion.
Genome position (GRCh38, 1-based): chr1:77,558,662-77,558,664, ATT duplicated; duplicating any 3 consecutive bases within chr1:77,558,661-77,558,664 gives the same sequence; the c. name uses the placement nearest the transcript's 3' end. VCF-style (leftmost placement, unchanged base first): chr1-77558660-C-CTAT. GRCh37 (hg19) VCF-style: chr1-78024345-C-CTAT.
Other names: p.Ile561dup; c.1603_1605dup, p.Ile535dup (NM_012093.4).
Identifiers: ClinVar variation 402359 (VCV000402359.4), dbSNP rs6485, ClinGen allele CA916654.
Genomic context (GRCh38, chr1:77,558,660, plus strand): 5'-AGATAAATGCAGAGGGAACACCAGAGGACGTTTTTCTTCAACTCTGCACAGCTATTGACT[C>CTAT]TATTTTCTGAAGGCAAAAATGCATGTTTGTTAGAATGGAAACAGAAAAACATTAAAAAGT-3'

ClinVar aggregate classification (germline): Benign (1 of 4 stars; one submission).

Submission:

Laboratory for Molecular Medicine, Mass General Brigham Personalized Medicine
Classification: Benign. Last evaluated: 2016-03-29. Review status: criteria provided, single submitter. Criteria: LMM Criteria. Collection method: clinical testing. Allele origin: germline.
Comment: Variant identified in a genome or exome case(s) and assessed due to predicted null impact of the variant or pathogenic assertions in the literature or databases. Disclaimer: This variant has not undergone full assessment. The following are preliminary notes: Frequency